The following is an entry in ClinVar:

NM_001378454.1(ALMS1):c.7700G>T (p.Gly2567Val)

Gene: ALMS1 (ALMS1 centrosome and basal body associated protein; plus strand). Cytogenetic location: 2p13.1.
Variant type: single nucleotide variant.
Coding change: c.7700G>T on transcript NM_001378454.1 (MANE Select); coding-DNA position 7700, G replaced by T.
Protein change: p.Gly2567Val; replaces glycine 2567 with valine.
Molecular consequence: missense variant.
Genome position (GRCh38, 1-based): chr2:73,489,659, G>T. VCF-style: chr2-73489659-G-T. GRCh37 (hg19) VCF-style: chr2-73716786-G-T.
Other names: c.7703G>T, p.Gly2568Val (NM_015120.4); short protein forms G2568V, G2567V.
Identifiers: ClinVar variation 550904 (VCV000550904.5), dbSNP rs199831059, ClinGen allele CA1714325.

ClinVar aggregate classification (germline): Uncertain significance. Review status: criteria provided, single submitter (1 of 4 stars). 2 submissions from 2 submitters: Uncertain significance (1). 1 of the submissions does not count toward it. Last evaluated 2025-03-22.

Conditions:
Alstrom syndrome (ALMS). Identifiers: Orphanet 64, MedGen C0268425, MONDO:0008763, OMIM 203800.

Allele frequency attached by ClinVar (database versions not stated): gnomAD 0.00001; gnomAD exomes 0.00001 and 0.00002; ExAC 0.00002; TOPMed 0.00005; 1000 Genomes Project 30x 0.00016; 1000 Genomes Project 0.00020.
gnomAD v4.1: 18 of 1,614,128 alleles (0.0011%); highest among the groups gnomAD compares: East Asian, 0.038%; no homozygotes.

Submissions (2):

Labcorp Genetics (formerly Invitae), Labcorp
Classification: Uncertain significance for Alstrom syndrome. Last evaluated: 2025-03-22. Review status: criteria provided, single submitter. Criteria: Invitae Variant Classification Sherloc (09022015). Collection method: clinical testing. Allele origin: germline.
Comment: This sequence change replaces glycine, which is neutral and non-polar, with valine, which is neutral and non-polar, at codon 2568 of the ALMS1 protein (p.Gly2568Val). This variant is present in population databases (rs199831059, gnomAD 0.03%). This variant has not been reported in the literature in individuals affected with ALMS1-related conditions. ClinVar contains an entry for this variant (Variation ID: 550904). Experimental studies and prediction algorithms are not available or were not evaluated, and the functional significance of this variant is currently unknown. In summary, the available evidence is currently insufficient to determine the role of this variant in disease. Therefore, it has been classified as a Variant of Uncertain Significance.

Counsyl
Classification: Uncertain significance for Alstrom syndrome. Last evaluated: 2017-02-28. Review status: no assertion criteria provided. Collection method: clinical testing. Allele origin: unknown. Not counted in ClinVar's aggregate classification.